The following is an entry in ClinVar:

ClinVar aggregate classification (germline): Benign/Likely benign. Review status: criteria provided, multiple submitters, no conflicts (2 of 4 stars). 3 submissions from 3 submitters: Benign (1); Likely benign (2). Last evaluated 2025-08-20.

Conditions:
Martsolf syndrome (MARTS). Also called: Congenital cataract with intellectual disability and hypogonadotropic hypogonadism syndrome. Identifiers: Orphanet 1387, MedGen C0796037, MONDO:0023910.
Warburg micro syndrome 2 (WARBM2). Also called: MICRO SYNDROME 2. Identifiers: Orphanet 2510, MedGen C3280214, MONDO:0013641, OMIM 614225.

Submissions (3):

Labcorp Genetics (formerly Invitae), Labcorp
Classification: Benign for Martsolf syndrome; Warburg micro syndrome 2. Last evaluated: 2025-08-20. Review status: criteria provided, single submitter. Criteria: Invitae Variant Classification Sherloc (09022015). Collection method: clinical testing. Allele origin: germline.

Blueprint Genetics
Classification: Likely benign. Last evaluated: 2024-11-26. Review status: criteria provided, single submitter. Criteria: ACMG Guidelines, 2015. Collection method: clinical testing. Allele origin: germline.

Mayo Clinic Laboratories, Mayo Clinic
Classification: Likely benign. Last evaluated: 2024-08-12. Review status: criteria provided, single submitter. Criteria: ACMG Guidelines, 2015. Collection method: clinical testing. Allele origin: germline. Observed: 4 variant alleles.
Comment: BP4, BP7

NM_012414.4(RAB3GAP2):c.812-6dup

Gene: RAB3GAP2 (RAB3 GTPase activating non-catalytic protein subunit 2; minus strand). Cytogenetic location: 1q41.
Variant type: Duplication.
Coding change: c.812-6dup on transcript NM_012414.4 (MANE Select); 6 bases into the intron before coding-DNA position 812, one base duplicated (T; older notation c.812-6dupT).
Molecular consequence: intron variant.
Genome position (GRCh38, 1-based): chr1:220,196,404, A duplicated on the plus strand (T on the coding strand, the reverse complement: RAB3GAP2 is on the minus strand); the first of 12 consecutive A bases (chr1:220,196,404-220,196,415); duplicating any one gives the same sequence. VCF-style (leftmost placement, unchanged base first): chr1-220196403-T-TA. GRCh37 (hg19) VCF-style: chr1-220369745-T-TA.
Other names: p.?.
Identifiers: ClinVar variation 1575669 (VCV001575669.11), dbSNP rs35396665, ClinGen allele CA1402843.